The following is an entry in ClinVar:

ClinVar aggregate classification (germline): Uncertain significance (1 of 4 stars; one submission).

Allele frequency attached by ClinVar (database versions not stated): TOPMed below 0.00001; ExAC 0.00001; gnomAD 0.00001; gnomAD exomes 0.00001.

Submission:

Labcorp Genetics (formerly Invitae), Labcorp
Classification: Uncertain significance. Last evaluated: 2022-01-21. Review status: criteria provided, single submitter. Criteria: Invitae Variant Classification Sherloc (09022015). Collection method: clinical testing. Allele origin: germline.
Comment: In summary, the available evidence is currently insufficient to determine the role of this variant in disease. Therefore, it has been classified as a Variant of Uncertain Significance. Algorithms developed to predict the effect of missense changes on protein structure and function are either unavailable or do not agree on the potential impact of this missense change (SIFT: "Deleterious"; PolyPhen-2: "Probably Damaging"; Align-GVGD: "Class C0"). This variant has not been reported in the literature in individuals affected with AEBP1-related conditions. This variant is present in population databases (rs780875133, gnomAD 0.006%). This sequence change replaces arginine, which is basic and polar, with glutamine, which is neutral and polar, at codon 401 of the AEBP1 protein (p.Arg401Gln).

NM_001129.5(AEBP1):c.1202G>A (p.Arg401Gln)

Gene: AEBP1 (AE binding protein 1; plus strand). Cytogenetic location: 7p13.
Variant type: single nucleotide variant.
Coding change: c.1202G>A on transcript NM_001129.5 (MANE Select); coding-DNA position 1202, G replaced by A.
Protein change: p.Arg401Gln; replaces arginine 401 with glutamine.
Molecular consequence: missense variant.
Genome position (GRCh38, 1-based): chr7:44,110,066, G>A. VCF-style: chr7-44110066-G-A. GRCh37 (hg19) VCF-style: chr7-44149665-G-A.
Other names: short protein forms R401Q.
Identifiers: ClinVar variation 1952614 (VCV001952614.3), dbSNP rs780875133, ClinGen allele CA4237808.